The following is an entry in ClinVar:

NM_032888.4(COL27A1):c.1216C>T (p.Gln406Ter)

Gene: COL27A1 (collagen type XXVII alpha 1 chain; plus strand). Cytogenetic location: 9q32.
Variant type: single nucleotide variant.
Coding change: c.1216C>T on transcript NM_032888.4 (MANE Select); coding-DNA position 1216, C replaced by T.
Protein change: p.Gln406Ter; replaces glutamine 406 with a stop codon.
Molecular consequence: nonsense.
Genome position (GRCh38, 1-based): chr9:114,168,771, C>T. VCF-style: chr9-114168771-C-T. GRCh37 (hg19) VCF-style: chr9-116931051-C-T.
Other names: short protein forms Q406*.
Identifiers: ClinVar variation 1073679 (VCV001073679.9), dbSNP rs1849088219, ClinGen allele CA374593676.

ClinVar aggregate classification (germline): Pathogenic/Likely pathogenic. Review status: criteria provided, multiple submitters, no conflicts (2 of 4 stars). 3 submissions from 3 submitters: Pathogenic (1); Likely pathogenic (2). Last evaluated 2023-04-25.

Conditions:
COL27A1-related disorders.
Steel syndrome (STLS). Identifiers: Orphanet 438117, MedGen C3554594, MONDO:0014061, OMIM 615155.

Submissions (3):

Blueprint Genetics
Classification: Likely pathogenic for COL27A1-related disorders. Last evaluated: 2023-04-25. Review status: criteria provided, single submitter. Criteria: ACMG Guidelines, 2015. Collection method: clinical testing. Allele origin: germline. Affected: yes. Observed: 1 variant allele.

Fulgent Genetics
Classification: Likely pathogenic for Steel syndrome. Last evaluated: 2022-03-18. Review status: criteria provided, single submitter. Criteria: ACMG Guidelines, 2015. Collection method: clinical testing. Allele origin: unknown.

Labcorp Genetics (formerly Invitae), Labcorp
Classification: Pathogenic. Last evaluated: 2020-02-20. Review status: criteria provided, single submitter. Criteria: Invitae Variant Classification Sherloc (09022015). Collection method: clinical testing. Allele origin: germline.
Comment: This sequence change creates a premature translational stop signal (p.Gln406*) in the COL27A1 gene. It is expected to result in an absent or disrupted protein product. This variant is not present in population databases (ExAC no frequency). This variant has not been reported in the literature in individuals with COL27A1-related conditions. Algorithms developed to predict the effect of sequence changes on RNA splicing suggest that this variant may create or strengthen a splice site, but this prediction has not been confirmed by published transcriptional studies. Loss-of-function variants in COL27A1 are known to be pathogenic (PMID: 24986830, 28276056). For these reasons, this variant has been classified as Pathogenic.

Literature cited by the submitters: PubMed 24986830 (cited by Labcorp Genetics (formerly Invitae), Labcorp); PubMed 28276056 (cited by Labcorp Genetics (formerly Invitae), Labcorp).